The following is an entry in ClinVar:

NM_005732.4(RAD50):c.137T>C (p.Ile46Thr)

Gene: RAD50 (RAD50 double strand break repair protein; plus strand). Cytogenetic location: 5q31.1.
Variant type: single nucleotide variant.
Coding change: c.137T>C on transcript NM_005732.4 (MANE Select); coding-DNA position 137, T replaced by C.
Protein change: p.Ile46Thr; replaces isoleucine 46 with threonine.
Molecular consequence: missense variant.
Genome position (GRCh38, 1-based): chr5:132,559,291, T>C. VCF-style: chr5-132559291-T-C. GRCh37 (hg19) VCF-style: chr5-131894983-T-C.
Other names: short protein forms I46T.
Identifiers: ClinVar variation 457378 (VCV000457378.11), dbSNP rs587780149, ClinGen allele CA360953186.

ClinVar aggregate classification (germline): Uncertain significance. Review status: criteria provided, multiple submitters, no conflicts (2 of 4 stars). 2 submissions from 2 submitters: Uncertain significance (2). Last evaluated 2024-04-16.

Conditions:
Hereditary cancer-predisposing syndrome. Also called: Neoplastic Syndromes, Hereditary; Tumor predisposition; Hereditary Cancer Syndrome; Hereditary neoplastic syndrome. Identifiers: Orphanet 140162, MedGen C0027672, MeSH D009386, MONDO:0015356.

Submissions (2):

Labcorp Genetics (formerly Invitae), Labcorp
Classification: Uncertain significance for Hereditary cancer-predisposing syndrome. Last evaluated: 2024-04-16. Review status: criteria provided, single submitter. Criteria: Invitae Variant Classification Sherloc (09022015). Collection method: clinical testing. Allele origin: germline.
Comment: This sequence change replaces isoleucine, which is neutral and non-polar, with threonine, which is neutral and polar, at codon 46 of the RAD50 protein (p.Ile46Thr). This variant is not present in population databases (gnomAD no frequency). This variant has not been reported in the literature in individuals affected with RAD50-related conditions. ClinVar contains an entry for this variant (Variation ID: 457378). Advanced modeling of protein sequence and biophysical properties (such as structural, functional, and spatial information, amino acid conservation, physicochemical variation, residue mobility, and thermodynamic stability) performed at Invitae indicates that this missense variant is expected to disrupt RAD50 protein function with a positive predictive value of 80%. In summary, the available evidence is currently insufficient to determine the role of this variant in disease. Therefore, it has been classified as a Variant of Uncertain Significance.

Ambry Genetics
Classification: Uncertain significance for Hereditary cancer-predisposing syndrome. Last evaluated: 2022-02-13. Review status: criteria provided, single submitter. Criteria: Ambry Variant Classification Scheme 2023. Collection method: clinical testing. Allele origin: germline.
Comment: The p.I46T variant (also known as c.137T>C), located in coding exon 2 of the RAD50 gene, results from a T to C substitution at nucleotide position 137. The isoleucine at codon 46 is replaced by threonine, an amino acid with similar properties. This amino acid position is conserved. In addition, this alteration is predicted to be deleterious by in silico analysis. Since supporting evidence is limited at this time, the clinical significance of this alteration remains unclear.